The following is an entry in ClinVar:

NM_001387430.1(SH2B1):c.2179C>G (p.Pro727Ala)

Gene: SH2B1 (SH2B adaptor protein 1; plus strand). Cytogenetic location: 16p11.2.
Variant type: single nucleotide variant.
Coding change: c.2179C>G on transcript NM_001387430.1 (MANE Select); coding-DNA position 2179, C replaced by G.
Protein change: p.Pro727Ala; replaces proline 727 with alanine.
Molecular consequence: missense variant. On other transcripts: 3 prime UTR variant (5).
Genome position (GRCh38, 1-based): chr16:28,873,728, C>G. VCF-style: chr16-28873728-C-G. GRCh37 (hg19) VCF-style: chr16-28885049-C-G.
Other names: c.*263C>G (NM_015503.3, NM_001145796.2, NM_001145812.2 and 1 more transcripts); c.2179C>G, p.Pro727Ala (NM_001145795.2, NM_001308293.2, NM_001387404.1); c.*280C>G (NM_001145797.2); short protein forms P727A.
Identifiers: ClinVar variation 3040273 (VCV003040273.4), dbSNP rs1043274994, ClinGen allele CA279223707.

ClinVar aggregate classification (germline): Uncertain significance. Review status: criteria provided, multiple submitters, no conflicts (2 of 4 stars). 2 submissions from 2 submitters: Uncertain significance (2). Last evaluated 2026-04-02.

Conditions:
SH2B1-related disorder. Also called: SH2B1-related condition.

Allele frequency attached by ClinVar (database versions not stated): gnomAD 0.00011; TOPMed 0.00015.
gnomAD v4.1: 30 of 1,492,196 alleles (0.002%); highest among the groups gnomAD compares: African/African-American, 0.039%; no homozygotes.

Submissions (2):

PreventionGenetics, part of Exact Sciences
Classification: Uncertain significance for SH2B1-related condition. Last evaluated: 2026-04-02. Review status: criteria provided, single submitter. Criteria: ACMG Guidelines, 2015. Collection method: clinical testing. Allele origin: germline.
Comment: The SH2B1 c.2179C>G variant is predicted to result in the amino acid substitution p.Pro727Ala. To our knowledge, this variant has not been reported in the literature. This variant is reported in 0.025% of alleles in individuals of African descent in gnomAD. At this time, the clinical significance of this variant is uncertain due to the absence of conclusive functional and genetic evidence.

Ambry Genetics
Classification: Uncertain significance. Last evaluated: 2025-12-16. Review status: criteria provided, single submitter. Criteria: Ambry Variant Classification Scheme 2023. Collection method: clinical testing. Allele origin: germline.